The following is an entry in ClinVar:

ClinVar aggregate classification (germline): Uncertain significance (1 of 4 stars; one submission).

Allele frequency attached by ClinVar (database versions not stated): gnomAD exomes below 0.00001.
gnomAD v4.1: 1 of 1,537,942 alleles (0.000065%); highest among the groups gnomAD compares: South Asian, 0.0012%; no homozygotes.

Submission:

CeGaT Center for Human Genetics Tuebingen
Classification: Uncertain significance. Last evaluated: 2022-08-01. Review status: criteria provided, single submitter. Criteria: CeGaT Center For Human Genetics Tuebingen Variant Classification Criteria Version 2. Collection method: clinical testing. Allele origin: germline. Affected: yes. Observed: 1 variant allele.
Comment: SOX4: PP3

NM_003107.3(SOX4):c.868G>A (p.Glu290Lys)

Gene: SOX4 (SRY-box transcription factor 4; plus strand). Cytogenetic location: 6p22.3.
Variant type: single nucleotide variant.
Coding change: c.868G>A on transcript NM_003107.3 (MANE Select); coding-DNA position 868, G replaced by A.
Protein change: p.Glu290Lys; replaces glutamic acid 290 with lysine.
Molecular consequence: missense variant.
Genome position (GRCh38, 1-based): chr6:21,595,402, G>A. VCF-style: chr6-21595402-G-A. GRCh37 (hg19) VCF-style: chr6-21595633-G-A.
Other names: short protein forms E290K.
Identifiers: ClinVar variation 2656277 (VCV002656277.24), dbSNP rs1561757504, ClinGen allele CA363271478.